The following is an entry in ClinVar:

ClinVar aggregate classification (germline): Pathogenic. Review status: criteria provided, single submitter (1 of 4 stars). 2 submissions from 2 submitters: Pathogenic (1). 1 of the submissions does not count toward it. Last evaluated 2022-08-29.

Conditions:
Intellectual developmental disorder with impaired language and dysmorphic facies. Identifiers: MedGen C5231444, MONDO:0032851, OMIM 618653.

Submissions (2):

GeneDx
Classification: Pathogenic. Last evaluated: 2022-08-29. Review status: criteria provided, single submitter. Criteria: GeneDx Variant Classification Process June 2021. Collection method: clinical testing. Allele origin: germline. Affected: yes.
Comment: De novo variant with confirmed parentage in a patient with developmental disorder (Balak et al., 2019); Published functional studies suggest a damaging effect (Balak et al., 2019); Not observed at significant frequency in large population cohorts (gnomAD); In silico analysis supports that this missense variant has a deleterious effect on protein structure/function; This variant is associated with the following publications: (PMID: 31422817)

OMIM
Classification: Pathogenic for INTELLECTUAL DEVELOPMENTAL DISORDER WITH IMPAIRED LANGUAGE AND DYSMORPHIC FACIES. Last evaluated: 2019-11-08. Review status: no assertion criteria provided. Collection method: literature only. Allele origin: germline. Not counted in ClinVar's aggregate classification.

Literature cited by the submitters: PubMed 31422817 (cited by OMIM).

NM_004397.6(DDX6):c.1172C>T (p.Thr391Ile)

Gene: DDX6 (DEAD-box helicase 6; minus strand). Cytogenetic location: 11q23.3.
Variant type: single nucleotide variant.
Coding change: c.1172C>T on transcript NM_004397.6 (MANE Select); coding-DNA position 1172, C replaced by T.
Protein change: p.Thr391Ile; replaces threonine 391 with isoleucine.
Molecular consequence: missense variant.
Genome position (GRCh38, 1-based): chr11:118,756,262, G>A on the plus strand (C>T on the coding strand, the complement: DDX6 is on the minus strand). VCF-style: chr11-118756262-G-A. GRCh37 (hg19) VCF-style: chr11-118626971-G-A.
Other names: c.1172C>T, p.Thr391Ile (NM_001257191.3); short protein forms T391I.
Identifiers: ClinVar variation 694351 (VCV000694351.3), dbSNP rs1591885290, ClinGen allele CA382887451.